The following is an entry in ClinVar:

ClinVar aggregate classification (germline): Uncertain significance. Review status: criteria provided, multiple submitters, no conflicts (2 of 4 stars). 2 submissions from 2 submitters: Uncertain significance (2). Last evaluated 2026-03-23.

Conditions:
ATP11A-related disorder. Also called: ATP11A-related condition.
Inborn genetic diseases. Identifiers: MedGen C0950123, MeSH D030342.

Allele frequency attached by ClinVar (database versions not stated): gnomAD 0.00001; ExAC 0.00002.
gnomAD v4.1: 60 of 1,613,766 alleles (0.0037%); highest among the groups gnomAD compares: South Asian, 0.0044%; no homozygotes.

Submissions (2):

PreventionGenetics, part of Exact Sciences
Classification: Uncertain significance for ATP11A-related condition. Last evaluated: 2026-03-23. Review status: criteria provided, single submitter. Criteria: ACMG Guidelines, 2015. Collection method: clinical testing. Allele origin: germline.
Comment: The ATP11A c.1492G>A variant is predicted to result in the amino acid substitution p.Gly498Arg. To our knowledge, this variant has not been reported in the literature. This variant is reported in 0.0054% of alleles in individuals of European (Non-Finnish) descent in gnomAD. At this time, the clinical significance of this variant is uncertain due to the absence of conclusive functional and genetic evidence.

Ambry Genetics
Classification: Uncertain significance for Inborn genetic diseases. Last evaluated: 2025-11-24. Review status: criteria provided, single submitter. Criteria: Ambry Variant Classification Scheme 2023. Collection method: clinical testing. Allele origin: germline.

NM_015205.3(ATP11A):c.1492G>A (p.Gly498Arg)

Gene: ATP11A (ATPase phospholipid transporting 11A; plus strand). Cytogenetic location: 13q34.
Variant type: single nucleotide variant.
Coding change: c.1492G>A on transcript NM_015205.3 (MANE Select); coding-DNA position 1492, G replaced by A.
Protein change: p.Gly498Arg; replaces glycine 498 with arginine.
Molecular consequence: missense variant.
Genome position (GRCh38, 1-based): chr13:112,832,956, G>A. VCF-style: chr13-112832956-G-A. GRCh37 (hg19) VCF-style: chr13-113487270-G-A.
Other names: c.1492G>A, p.Gly498Arg (NM_001405661.1, NM_001405662.1, NM_001405663.1 and 1 more transcripts); short protein forms G498R.
Identifiers: ClinVar variation 2219235 (VCV002219235.4), dbSNP rs766554206, ClinGen allele CA7056798.